The following is an entry in ClinVar:

NM_000384.3(APOB):c.8858C>G (p.Pro2953Arg)

Gene: APOB (apolipoprotein B; minus strand). Cytogenetic location: 2p24.1.
Variant type: single nucleotide variant.
Coding change: c.8858C>G on transcript NM_000384.3 (MANE Select); coding-DNA position 8858, C replaced by G.
Protein change: p.Pro2953Arg; replaces proline 2953 with arginine.
Molecular consequence: missense variant.
Genome position (GRCh38, 1-based): chr2:21,008,010, G>C on the plus strand (C>G on the coding strand, the complement: APOB is on the minus strand). VCF-style: chr2-21008010-G-C. GRCh37 (hg19) VCF-style: chr2-21230882-G-C.
Other names: short protein forms P2953R.
Identifiers: ClinVar variation 3127922 (VCV003127922.5), dbSNP rs754457820, ClinGen allele CA066077.

ClinVar aggregate classification (germline): Conflicting classifications of pathogenicity. Review status: criteria provided, conflicting classifications (1 of 4 stars). 3 submissions from 3 submitters: Uncertain significance (2); Likely benign (1). Last evaluated 2026-09-11.

Conditions:
Familial hypobetalipoproteinemia 1. Also called: Hypobetalipoproteinemia, normotriglyceridemic; Acanthocytosis with hypobetalipoproteinemia; APOB-Related Familial Hypobetalipoproteinemia. Identifiers: MedGen C4551990, MONDO:0014252, OMIM 615558.
Hypercholesterolemia, autosomal dominant, type B (FHCL2). Also called: Familial Hypercholesterolemia Type B; APOLIPOPROTEIN B-100, FAMILIAL DEFECTIVE; APOLIPOPROTEIN B-100, FAMILIAL LIGAND-DEFECTIVE; HYPERCHOLESTEROLEMIA, FAMILIAL, DUE TO LIGAND-DEFECTIVE APOLIPOPROTEIN B; APOB-Related Familial Hypercholesterolemia, Autosomal Dominant; Hyperlipoproteinemia Type IIb. Identifiers: MedGen C1704417, MONDO:0007751, OMIM 144010.
Cardiovascular phenotype. Identifiers: MedGen CN230736.

Allele frequency attached by ClinVar (database versions not stated): ExAC 0.00001.
gnomAD v4.1: 2 of 1,613,996 alleles (0.00012%); highest among the groups gnomAD compares: Middle Eastern, 0.017%; no homozygotes.

Submissions (3):

Ambry Genetics
Classification: Uncertain significance for Cardiovascular phenotype. Last evaluated: 2026-09-11. Review status: criteria provided, single submitter. Criteria: Ambry Variant Classification Scheme 2023. Collection method: clinical testing. Allele origin: germline.
Comment: The p.P2953R variant (also known as c.8858C>G), located in coding exon 26 of the APOB gene, results from a C to G substitution at nucleotide position 8858. The proline at codon 2953 is replaced by arginine, an amino acid with dissimilar properties. This amino acid position is conserved. In addition, this alteration is predicted to be tolerated by in silico analysis. Based on the available evidence, the clinical significance of this variant remains unclear.

GeneDx
Classification: Uncertain significance. Last evaluated: 2025-08-01. Review status: criteria provided, single submitter. Criteria: GeneDx Variant Classification Process June 2021. Collection method: clinical testing. Allele origin: germline. Affected: yes.
Comment: Not observed at significant frequency in large population cohorts (gnomAD); In silico analysis supports that this missense variant has a deleterious effect on protein structure/function; Has not been previously published as pathogenic or benign to our knowledge

Labcorp Genetics (formerly Invitae), Labcorp
Classification: Likely benign for Familial hypobetalipoproteinemia 1; Hypercholesterolemia, autosomal dominant, type B. Last evaluated: 2024-09-02. Review status: criteria provided, single submitter. Criteria: Invitae Variant Classification Sherloc (09022015). Collection method: clinical testing. Allele origin: germline.